The following is an entry in ClinVar:

ClinVar aggregate classification (germline): Uncertain significance (1 of 4 stars; one submission).

Allele frequency attached by ClinVar (database versions not stated): gnomAD exomes below 0.00001.
gnomAD v4.1: 1 of 1,614,006 alleles (0.000062%); highest among the groups gnomAD compares: South Asian, 0.0011%; no homozygotes.

Submission:

Labcorp Genetics (formerly Invitae), Labcorp
Classification: Uncertain significance. Last evaluated: 2025-03-11. Review status: criteria provided, single submitter. Criteria: Invitae Variant Classification Sherloc (09022015). Collection method: clinical testing. Allele origin: germline.
Comment: This sequence change replaces isoleucine, which is neutral and non-polar, with leucine, which is neutral and non-polar, at codon 1134 of the POLE protein (p.Ile1134Leu). This variant is not present in population databases (gnomAD no frequency). This variant has not been reported in the literature in individuals affected with POLE-related conditions. ClinVar contains an entry for this variant (Variation ID: 405895). Invitae Evidence Modeling of protein sequence and biophysical properties (such as structural, functional, and spatial information, amino acid conservation, physicochemical variation, residue mobility, and thermodynamic stability) indicates that this missense variant is not expected to disrupt POLE protein function with a negative predictive value of 80%. In summary, the available evidence is currently insufficient to determine the role of this variant in disease. Therefore, it has been classified as a Variant of Uncertain Significance.

NM_006231.4(POLE):c.3400A>C (p.Ile1134Leu)

Gene: POLE (DNA polymerase epsilon, catalytic subunit; minus strand). Cytogenetic location: 12q24.33.
Variant type: single nucleotide variant.
Coding change: c.3400A>C on transcript NM_006231.4 (MANE Select); coding-DNA position 3400, A replaced by C.
Protein change: p.Ile1134Leu; replaces isoleucine 1134 with leucine.
Molecular consequence: missense variant.
Genome position (GRCh38, 1-based): chr12:132,657,408, T>G on the plus strand (A>C on the coding strand, the complement: POLE is on the minus strand). VCF-style: chr12-132657408-T-G. GRCh37 (hg19) VCF-style: chr12-133233994-T-G.
Other names: short protein forms I1134L.
Identifiers: ClinVar variation 405895 (VCV000405895.10), dbSNP rs1060500888, ClinGen allele CA16613675.
Genomic context (GRCh38, chr12:132,657,408, plus strand): 5'-CCTGCTGCAGGGCCGCAGGGATGGTGATGATCTTCTGGATGGCGCTTCCCAGCCGCTCAA[T>G]GTAGTAGTCCCAATCCAGAATCTGCATGTGCAGGAAACGGGCACAGAGAACAGCAGGTGG-3'
Protein context (NP_006222.2, residues 1124-1144): IRAILDWDYY[Ile1134Leu]ERLGSAIQKI